The following is an entry in ClinVar:

ClinVar aggregate classification (germline): Likely benign. Review status: criteria provided, multiple submitters, no conflicts (2 of 4 stars). 4 submissions from 4 submitters: Likely benign (3). 1 of the submissions does not count toward it. Last evaluated 2024-10-30.

Conditions:
Cardiovascular phenotype. Identifiers: MedGen CN230736.
Alstrom syndrome (ALMS). Identifiers: Orphanet 64, MedGen C0268425, MONDO:0008763, OMIM 203800.

Allele frequency attached by ClinVar (database versions not stated): gnomAD 0.00001; ExAC 0.00002; TOPMed 0.00002; gnomAD exomes 0.00003; ESP Exome Variant Server 0.00008.
gnomAD v4.1: 22 of 1,613,904 alleles (0.0014%); highest among the groups gnomAD compares: South Asian, 0.019%; 1 homozygote.

Submissions (4):

Labcorp Genetics (formerly Invitae), Labcorp
Classification: Likely benign for Alstrom syndrome. Last evaluated: 2024-10-30. Review status: criteria provided, single submitter. Criteria: Invitae Variant Classification Sherloc (09022015). Collection method: clinical testing. Allele origin: germline.

Ambry Genetics
Classification: Likely benign for Cardiovascular phenotype. Last evaluated: 2018-12-26. Review status: criteria provided, single submitter. Criteria: Ambry Variant Classification Scheme 2023. Collection method: clinical testing. Allele origin: germline.

GeneDx
Classification: Likely benign. Last evaluated: 2017-01-23. Review status: criteria provided, single submitter. Criteria: GeneDx Variant Classification (06012015). Collection method: clinical testing. Allele origin: germline. Affected: yes.
Comment: This variant is considered likely benign or benign based on one or more of the following criteria: it is a conservative change, it occurs at a poorly conserved position in the protein, it is predicted to be benign by multiple in silico algorithms, and/or has population frequency not consistent with disease.

Counsyl
Classification: Likely benign for Alstrom syndrome. Last evaluated: 2017-03-22. Review status: no assertion criteria provided. Collection method: clinical testing. Allele origin: unknown. Not counted in ClinVar's aggregate classification.

NM_001378454.1(ALMS1):c.7743C>T (p.Ser2581=)

Gene: ALMS1 (ALMS1 centrosome and basal body associated protein; plus strand). Cytogenetic location: 2p13.1.
Variant type: single nucleotide variant.
Coding change: c.7743C>T on transcript NM_001378454.1 (MANE Select); coding-DNA position 7743, C replaced by T.
Protein change: p.Ser2581=; no amino-acid change (serine 2581 retained).
Molecular consequence: synonymous variant.
Genome position (GRCh38, 1-based): chr2:73,489,702, C>T. VCF-style: chr2-73489702-C-T. GRCh37 (hg19) VCF-style: chr2-73716829-C-T.
Other names: c.7746C>T, p.Ser2582= (NM_015120.4).
Identifiers: ClinVar variation 506893 (VCV000506893.11), dbSNP rs370740871, ClinGen allele CA1714336.